The following is an entry in ClinVar:

ClinVar aggregate classification (germline): Uncertain significance (1 of 4 stars; one submission).

Submission:

GeneDx
Classification: Uncertain significance. Last evaluated: 2022-11-30. Review status: criteria provided, single submitter. Criteria: GeneDx Variant Classification Process June 2021. Collection method: clinical testing. Allele origin: germline. Affected: yes.
Comment: Not observed at significant frequency in large population cohorts (gnomAD); In silico analysis supports that this missense variant does not alter protein structure/function; Has not been previously published as pathogenic or benign to our knowledge

NM_031407.7(HUWE1):c.11468A>G (p.Gln3823Arg)

Gene: HUWE1 (HECT, UBA and WWE domain containing E3 ubiquitin protein ligase 1; minus strand). Cytogenetic location: Xp11.22.
Variant type: single nucleotide variant.
Coding change: c.11468A>G on transcript NM_031407.7 (MANE Select); coding-DNA position 11468, A replaced by G.
Protein change: p.Gln3823Arg; replaces glutamine 3823 with arginine.
Molecular consequence: missense variant.
Genome position (GRCh38, 1-based): chrX:53,542,451, T>C on the plus strand (A>G on the coding strand, the complement: HUWE1 is on the minus strand). VCF-style: chrX-53542451-T-C. GRCh37 (hg19) VCF-style: chrX-53569412-T-C.
Other names: short protein forms Q3823R.
Identifiers: ClinVar variation 2504549 (VCV002504549.1), dbSNP rs2522685025, ClinGen allele CA413162859.
Genomic context (GRCh38, chrX:53,542,451, plus strand): 5'-CAGAAGACTGGCTATCCCTTTTGCTCGGCTGGAAACAGGAAGTAGTACTGACCAATGGAT[T>C]GAGTATCTTGAGCACTGGGAGATGGCTGGTCCACATCCATGGGTGATTCCTCCCTCCGGA-3'
Protein context (NP_113584.3, residues 3813-3833): DQPSPSAQDT[Gln3823Arg]SIASDGTPQG